The following is an entry in ClinVar:

NM_001205293.3(CACNA1E):c.1053C>A (p.Ser351=)

Gene: CACNA1E (calcium voltage-gated channel subunit alpha1 E; plus strand). Cytogenetic location: 1q25.3.
Variant type: single nucleotide variant.
Coding change: c.1053C>A on transcript NM_001205293.3 (MANE Select); coding-DNA position 1053, C replaced by A.
Protein change: p.Ser351=; no amino-acid change (serine 351 retained).
Molecular consequence: synonymous variant.
Genome position (GRCh38, 1-based): chr1:181,651,439, C>A. VCF-style: chr1-181651439-C-A. GRCh37 (hg19) VCF-style: chr1-181620575-C-A.
Other names: c.1053C>A, p.Ser351= (NM_000721.4, NM_001205294.2).
Identifiers: ClinVar variation 1244078 (VCV001244078.39), dbSNP rs201080304, ClinGen allele CA1275020.
Genomic context (GRCh38, chr1:181,651,439, plus strand): 5'-CATCCCCCTCATCATCATTGGATCCTTCTTTGTTCTCAACCTAGTCCTGGGAGTGCTTTC[C>A]GGGTGAGCCAGATGTTTCTCTCTTCTTAACTCATTTGCTGACTGCTAACTGTAAACTAAT-3'
Protein context (NP_001192222.1, residues 341-361): FVLNLVLGVL[Ser351=]GEFAKERERV

ClinVar aggregate classification (germline): Benign/Likely benign. Review status: criteria provided, multiple submitters, no conflicts (2 of 4 stars). 5 submissions from 5 submitters: Benign (3); Likely benign (2). Last evaluated 2026-04-01.

Conditions:
Developmental and epileptic encephalopathy, 69. Also called: EPILEPTIC ENCEPHALOPATHY, EARLY INFANTILE, 69. Identifiers: MedGen C4748988, MONDO:0032657, OMIM 618285.

Allele frequency attached by ClinVar (database versions not stated): 1000 Genomes Project 30x 0.00016; ESP Exome Variant Server 0.00082.
gnomAD v4.1: 1,691 of 1,607,180 alleles (0.11%); highest among the groups gnomAD compares: Non-Finnish European, 0.11%; 2 homozygotes.

Submissions (5):

CeGaT Center for Human Genetics Tuebingen
Classification: Likely benign. Last evaluated: 2026-04-01. Review status: criteria provided, single submitter. Criteria: CeGaT Center For Human Genetics Tuebingen Variant Classification Criteria Version 2. Collection method: clinical testing. Allele origin: germline. Affected: yes. Observed: 19 variant alleles.
Comment: CACNA1E: BP4, BP7, BS1

Labcorp Genetics (formerly Invitae), Labcorp
Classification: Benign. Last evaluated: 2026-01-28. Review status: criteria provided, single submitter. Criteria: Invitae Variant Classification Sherloc (09022015). Collection method: clinical testing. Allele origin: germline.

Blueprint Genetics
Classification: Likely benign. Last evaluated: 2024-11-21. Review status: criteria provided, single submitter. Criteria: ACMG Guidelines, 2015. Collection method: clinical testing. Allele origin: germline.

Genome-Nilou Lab
Classification: Benign for Developmental and epileptic encephalopathy, 69. Last evaluated: 2023-04-11. Review status: criteria provided, single submitter. Criteria: ACMG Guidelines, 2015. Collection method: clinical testing. Allele origin: germline. Affected: no.

GeneDx
Classification: Benign. Last evaluated: 2021-05-05. Review status: criteria provided, single submitter. Criteria: GeneDx Variant Classification Process June 2021. Collection method: clinical testing. Allele origin: germline. Affected: yes.